The following is an entry in ClinVar:

NM_172364.5(CACNA2D4):c.2264T>C (p.Val755Ala)

Gene: CACNA2D4 (calcium voltage-gated channel auxiliary subunit alpha2delta 4; minus strand). Cytogenetic location: 12p13.33.
Variant type: single nucleotide variant.
Coding change: c.2264T>C on transcript NM_172364.5 (MANE Select); coding-DNA position 2264, T replaced by C.
Protein change: p.Val755Ala; replaces valine 755 with alanine.
Molecular consequence: missense variant.
Genome position (GRCh38, 1-based): chr12:1,846,672, A>G on the plus strand (T>C on the coding strand, the complement: CACNA2D4 is on the minus strand). VCF-style: chr12-1846672-A-G. GRCh37 (hg19) VCF-style: chr12-1955838-A-G.
Other names: short protein forms V755A.
Identifiers: ClinVar variation 4810665 (VCV004810665.1).
Genomic context (GRCh38, chr12:1,846,672, plus strand): 5'-GAGCCCACGAACAAGCTGCTTCTCAGGAGGCCAGCCCGGGTGCCCAGGAAGGCCATGTCC[A>G]CCACGTGTTCAGACTCCCTGTGTGGCAGACAGAGCGGGAATGGTCACCACATGGCTGTGG-3'
Protein context (NP_758952.4, residues 745-765): LNMSEESEHV[Val755Ala]DMAFLGTRAG

ClinVar aggregate classification (germline): Uncertain significance (1 of 4 stars; one submission).

Submission:

Labcorp Genetics (formerly Invitae), Labcorp
Classification: Uncertain significance. Last evaluated: 2025-07-29. Review status: criteria provided, single submitter. Criteria: Invitae Variant Classification Sherloc (09022015). Collection method: clinical testing. Allele origin: germline.
Comment: This sequence change replaces valine, which is neutral and non-polar, with alanine, which is neutral and non-polar, at codon 755 of the CACNA2D4 protein (p.Val755Ala). This variant is not present in population databases (gnomAD no frequency). This variant has not been reported in the literature in individuals affected with CACNA2D4-related conditions. An algorithm developed to predict the effect of missense changes on protein structure and function outputs the following: PolyPhen-2: "Benign". The alanine amino acid residue is found in multiple mammalian species, which suggests that this missense change does not adversely affect protein function. In summary, the available evidence is currently insufficient to determine the role of this variant in disease. Therefore, it has been classified as a Variant of Uncertain Significance.